The following is an entry in ClinVar:

NM_000785.4(CYP27B1):c.496G>C (p.Val166Leu)

Gene: CYP27B1 (cytochrome P450 family 27 subfamily B member 1; minus strand). Cytogenetic location: 12q14.1.
Variant type: single nucleotide variant.
Coding change: c.496G>C on transcript NM_000785.4 (MANE Select); coding-DNA position 496, G replaced by C.
Protein change: p.Val166Leu; replaces valine 166 with leucine.
Molecular consequence: missense variant.
Genome position (GRCh38, 1-based): chr12:57,765,390, C>G on the plus strand (G>C on the coding strand, the complement: CYP27B1 is on the minus strand). VCF-style: chr12-57765390-C-G. GRCh37 (hg19) VCF-style: chr12-58159173-C-G.
Other names: short protein forms V166L.
Identifiers: ClinVar variation 882265 (VCV000882265.16), dbSNP rs8176344, ClinGen allele CA6658421.

ClinVar aggregate classification (germline): Benign/Likely benign. Review status: criteria provided, multiple submitters, no conflicts (2 of 4 stars). 5 submissions from 5 submitters: Benign (4); Likely benign (1). Last evaluated 2026-02-02.

Conditions:
Vitamin D-dependent rickets, type 1 (VDD1). Also called: VITAMIN D DEPENDENCY, TYPE 1. Identifiers: Orphanet 289157, MedGen C0268689, MONDO:0009924.
Vitamin D-dependent rickets, type 1A. Also called: PDDR IA; PSEUDOVITAMIN D-DEFICIENCY RICKETS, TYPE IA; VITAMIN D HYDROXYLATION-DEFICIENT RICKETS, TYPE 1A. Identifiers: MedGen CN283242, MONDO:0020723, OMIM 264700.

Allele frequency attached by ClinVar (database versions not stated): ESP Exome Variant Server 0.00170; gnomAD 0.00170 and 0.00382; TOPMed 0.00207; gnomAD exomes 0.00591 and 0.00975; ExAC 0.01165; 1000 Genomes Project 30x 0.01374; 1000 Genomes Project 0.01458.

Submissions (5):

Labcorp Genetics (formerly Invitae), Labcorp
Classification: Benign. Last evaluated: 2026-02-02. Review status: criteria provided, single submitter. Criteria: Invitae Variant Classification Sherloc (09022015). Collection method: clinical testing. Allele origin: germline.

Blueprint Genetics
Classification: Likely benign. Last evaluated: 2024-11-25. Review status: criteria provided, single submitter. Criteria: ACMG Guidelines, 2015. Collection method: clinical testing. Allele origin: germline.

ARUP Laboratories, Molecular Genetics and Genomics, ARUP Laboratories
Classification: Benign for Vitamin D-dependent rickets, type 1A. Last evaluated: 2024-05-15. Review status: criteria provided, single submitter. Criteria: ARUP Molecular Germline Variant Investigation Process 2024. Collection method: clinical testing. Allele origin: germline.

GeneDx
Classification: Benign. Last evaluated: 2019-04-20. Review status: criteria provided, single submitter. Criteria: GeneDx Variant Classification Process June 2021. Collection method: clinical testing. Allele origin: germline. Affected: yes.
Comment: This variant is associated with the following publications: (PMID: 23423976)

Illumina Laboratory Services, Illumina
Classification: Benign for Vitamin D-dependent rickets, type 1A. Last evaluated: 2017-04-27. Review status: criteria provided, single submitter. Criteria: ICSL Variant Classification Criteria 13 December 2019. Collection method: clinical testing. Allele origin: germline.
Comment: This variant was observed as part of a predisposition screen in an ostensibly healthy population. A literature search was performed for the gene, cDNA change, and amino acid change (where applicable). No publications were found based on this search. Allele frequency data from public databases was too high to be consistent with this variant causing disease. Therefore, this variant is classified as benign.